The following is an entry in ClinVar:

NM_004260.4(RECQL4):c.1793C>G (p.Pro598Arg)

Gene: RECQL4 (RecQ like helicase 4; minus strand). Cytogenetic location: 8q24.3.
Variant type: single nucleotide variant.
Coding change: c.1793C>G on transcript NM_004260.4 (MANE Select); coding-DNA position 1793, C replaced by G.
Protein change: p.Pro598Arg; replaces proline 598 with arginine.
Molecular consequence: missense variant.
Genome position (GRCh38, 1-based): chr8:144,514,274, G>C on the plus strand (C>G on the coding strand, the complement: RECQL4 is on the minus strand). VCF-style: chr8-144514274-G-C. GRCh37 (hg19) VCF-style: chr8-145739658-G-C.
Other names: short protein forms P598R.
Identifiers: ClinVar variation 663516 (VCV000663516.8), dbSNP rs1010524385, ClinGen allele CA187685052.

ClinVar aggregate classification (germline): Uncertain significance. Review status: criteria provided, multiple submitters, no conflicts (2 of 4 stars). 2 submissions from 2 submitters: Uncertain significance (2). Last evaluated 2024-12-14.

Conditions:
Baller-Gerold syndrome (BGS). Also called: CRANIOSYNOSTOSIS WITH RADIAL DEFECTS. Identifiers: Orphanet 1225, MedGen C0265308, MONDO:0009039, OMIM 218600.
Inborn genetic diseases. Identifiers: MedGen C0950123, MeSH D030342.

Allele frequency attached by ClinVar (database versions not stated): gnomAD 0.00001; TOPMed 0.00001.

Submissions (2):

Ambry Genetics
Classification: Uncertain significance for Inborn genetic diseases. Last evaluated: 2024-12-14. Review status: criteria provided, single submitter. Criteria: Ambry Variant Classification Scheme 2023. Collection method: clinical testing. Allele origin: germline.
Comment: The p.P598R variant (also known as c.1793C>G), located in coding exon 11 of the RECQL4 gene, results from a C to G substitution at nucleotide position 1793. The proline at codon 598 is replaced by arginine, an amino acid with dissimilar properties. This amino acid position is conserved. In addition, the in silico prediction for this alteration is inconclusive. Based on the available evidence, the clinical significance of this variant remains unclear.

Labcorp Genetics (formerly Invitae), Labcorp
Classification: Uncertain significance for Baller-Gerold syndrome. Last evaluated: 2023-09-25. Review status: criteria provided, single submitter. Criteria: Invitae Variant Classification Sherloc (09022015). Collection method: clinical testing. Allele origin: germline.
Comment: In summary, the available evidence is currently insufficient to determine the role of this variant in disease. Therefore, it has been classified as a Variant of Uncertain Significance. Advanced modeling of protein sequence and biophysical properties (such as structural, functional, and spatial information, amino acid conservation, physicochemical variation, residue mobility, and thermodynamic stability) has been performed at Invitae for this missense variant, however the output from this modeling did not meet the statistical confidence thresholds required to predict the impact of this variant on RECQL4 protein function. ClinVar contains an entry for this variant (Variation ID: 663516). This variant has not been reported in the literature in individuals affected with RECQL4-related conditions. This variant is not present in population databases (gnomAD no frequency). This sequence change replaces proline, which is neutral and non-polar, with arginine, which is basic and polar, at codon 598 of the RECQL4 protein (p.Pro598Arg).